The following is an entry in ClinVar:

NM_001146262.4(SYT14):c.1055G>A (p.Arg352His)

Gene: SYT14 (synaptotagmin 14; plus strand). Cytogenetic location: 1q32.2.
Variant type: single nucleotide variant.
Coding change: c.1055G>A on transcript NM_001146262.4 (MANE Select); coding-DNA position 1055, G replaced by A.
Protein change: p.Arg352His; replaces arginine 352 with histidine.
Molecular consequence: missense variant.
Genome position (GRCh38, 1-based): chr1:210,100,352, G>A. VCF-style: chr1-210100352-G-A. GRCh37 (hg19) VCF-style: chr1-210273697-G-A.
Other names: c.1190G>A, p.Arg397His (NM_001146261.4, NM_001146264.4); c.941G>A, p.Arg314His (NM_001256006.3); c.1925G>A, p.Arg642His (NM_001397544.1, NM_001397545.1); c.1055G>A, p.Arg352His (NM_153262.5); c.1190G>A (NM_001146261.2); short protein forms R397H, R352H, R314H, R642H.
Identifiers: ClinVar variation 586691 (VCV000586691.6), dbSNP rs142853530, ClinGen allele CA1378368.

ClinVar aggregate classification (germline): Likely benign. Review status: criteria provided, single submitter (1 of 4 stars). 2 submissions from 2 submitters: Likely benign (1). 1 of the submissions does not count toward it. Last evaluated 2025-02-07.

Conditions:
SYT14-related disorder. Also called: SYT14-related condition.

Allele frequency attached by ClinVar (database versions not stated): gnomAD exomes 0.00009 and 0.00023; ExAC 0.00024; 1000 Genomes Project 30x 0.00047; 1000 Genomes Project 0.00060; gnomAD 0.00095 and 0.00104; TOPMed 0.00115; ESP Exome Variant Server 0.00146.
gnomAD v4.1: 280 of 1,613,830 alleles (0.017%); highest among the groups gnomAD compares: African/African-American, 0.31%; no homozygotes.

Submissions (2):

Athena Diagnostics
Classification: Likely benign. Last evaluated: 2025-02-07. Review status: criteria provided, single submitter. Criteria: Athena Diagnostics Criteria. Collection method: clinical testing. Allele origin: unknown.
Comment: The frequency of this variant in the general population is higher than would generally be expected for pathogenic variants in this gene.

PreventionGenetics, part of Exact Sciences
Classification: Likely benign for SYT14-related condition. Last evaluated: 2022-11-11. Review status: no assertion criteria provided. Collection method: clinical testing. Allele origin: germline. Not counted in ClinVar's aggregate classification.
Comment: This variant is classified as likely benign based on ACMG/AMP sequence variant interpretation guidelines (Richards et al. 2015 PMID: 25741868, with internal and published modifications).